The following is an entry in ClinVar:

ClinVar aggregate classification (germline): Uncertain significance (1 of 4 stars; one submission).

Conditions:
Hereditary cancer-predisposing syndrome. Also called: Hereditary Cancer Syndrome; Hereditary neoplastic syndrome; Neoplastic Syndromes, Hereditary; Tumor predisposition. Identifiers: Orphanet 140162, MedGen C0027672, MeSH D009386, MONDO:0015356.
Cardiovascular phenotype. Identifiers: MedGen CN230736.

Submission:

Ambry Genetics
Classification: Uncertain significance for Cardiovascular phenotype; Hereditary cancer-predisposing syndrome. Last evaluated: 2026-07-02. Review status: criteria provided, single submitter. Criteria: Ambry Variant Classification Scheme 2023. Collection method: clinical testing. Allele origin: germline.
Comment: The p.V1021I variant (also known as c.3061G>A), located in coding exon 23 of the NF1 gene, results from a G to A substitution at nucleotide position 3061. The valine at codon 1021 is replaced by isoleucine, an amino acid with highly similar properties. This amino acid position is highly conserved in available vertebrate species. In addition, this alteration is predicted to be tolerated by in silico analysis. Based on the available evidence, the clinical significance of this variant remains unclear.

NM_001042492.3(NF1):c.3061G>A (p.Val1021Ile)

Gene: NF1 (neurofibromin 1; plus strand). Cytogenetic location: 17q11.2.
Variant type: single nucleotide variant.
Coding change: c.3061G>A on transcript NM_001042492.3 (MANE Select); coding-DNA position 3061, G replaced by A.
Protein change: p.Val1021Ile; replaces valine 1021 with isoleucine.
Molecular consequence: missense variant.
Genome position (GRCh38, 1-based): chr17:31,230,330, G>A. VCF-style: chr17-31230330-G-A. GRCh37 (hg19) VCF-style: chr17-29557348-G-A.
Other names: c.3061G>A, p.Val1021Ile (NM_000267.4); short protein forms V1021I.
Identifiers: ClinVar variation 2452213 (VCV002452213.3), dbSNP rs1597716939, ClinGen allele CA398987420.